The following is an entry in ClinVar:

NM_058216.3(RAD51C):c.77A>T (p.Lys26Met)

Gene: RAD51C (RAD51 paralog C; plus strand). Cytogenetic location: 17q22.
Variant type: single nucleotide variant.
Coding change: c.77A>T on transcript NM_058216.3 (MANE Select); coding-DNA position 77, A replaced by T.
Protein change: p.Lys26Met; replaces lysine 26 with methionine.
Molecular consequence: missense variant. On other transcripts: non-coding transcript variant (1).
Genome position (GRCh38, 1-based): chr17:58,692,720, A>T. VCF-style: chr17-58692720-A-T. GRCh37 (hg19) VCF-style: chr17-56770081-A-T.
Other names: c.77A>T, p.Lys26Met (NM_002876.4); short protein forms K26M.
Identifiers: ClinVar variation 372089 (VCV000372089.22), dbSNP rs746026526, ClinGen allele CA8677141.

ClinVar aggregate classification (germline): Conflicting classifications of pathogenicity. Review status: criteria provided, conflicting classifications (1 of 4 stars). 8 submissions from 7 submitters: Uncertain significance (5); Likely benign (1). 2 of the submissions do not count toward it. Last evaluated 2025-11-01.

Conditions:
Hereditary cancer-predisposing syndrome. Also called: Tumor predisposition; Hereditary Cancer Syndrome; Hereditary neoplastic syndrome; Neoplastic Syndromes, Hereditary. Identifiers: Orphanet 140162, MedGen C0027672, MeSH D009386, MONDO:0015356.
Fanconi anemia complementation group O. Also called: RAD51C-Related Fanconi Anemia. Identifiers: Orphanet 84, MedGen C3150653, MONDO:0013248, OMIM 613390.
Breast-ovarian cancer, familial, susceptibility to, 3. Also called: RAD51C-Related Breast/Ovarian Cancer. Identifiers: Orphanet 145, MedGen C3150659, MONDO:0013253, OMIM 613399.

Allele frequency attached by ClinVar (database versions not stated): TOPMed 0.00001; gnomAD 0.00003.
gnomAD v4.1: 23 of 1,614,228 alleles (0.0014%); highest among the groups gnomAD compares: Non-Finnish European, 0.0019%; no homozygotes.

Submissions (8):

Labcorp Genetics (formerly Invitae), Labcorp
Classification: Uncertain significance for Fanconi anemia complementation group O. Last evaluated: 2025-11-01. Review status: criteria provided, single submitter. Criteria: Invitae Variant Classification Sherloc (09022015). Collection method: clinical testing. Allele origin: germline.
Comment: This sequence change replaces lysine, which is basic and polar, with methionine, which is neutral and non-polar, at codon 26 of the RAD51C protein (p.Lys26Met). This variant is present in population databases (rs746026526, gnomAD 0.002%). This missense change has been observed in individual(s) with ovarian cancer and low grade glioma (PMID: 26261251, 26689913). ClinVar contains an entry for this variant (Variation ID: 372089). Invitae Evidence Modeling of protein sequence and biophysical properties (such as structural, functional, and spatial information, amino acid conservation, physicochemical variation, residue mobility, and thermodynamic stability) has been performed for this missense variant. However, the output from this modeling did not meet the statistical confidence thresholds required to predict the impact of this variant on RAD51C protein function. Experimental studies have shown that this missense change does not substantially affect RAD51C function (PMID: 36099300, 37253112). In summary, the available evidence is currently insufficient to determine the role of this variant in disease. Therefore, it has been classified as a Variant of Uncertain Significance.

Women's Health and Genetics/Laboratory Corporation of America, LabCorp
Classification: Uncertain significance. Last evaluated: 2025-06-26. Review status: criteria provided, single submitter. Criteria: LabCorp Variant Classification Summary - May 2015. Collection method: clinical testing. Allele origin: germline.
Comment: Variant summary: RAD51C c.77A>T (p.Lys26Met) results in a non-conservative amino acid change in the encoded protein sequence. Algorithms developed to predict the effect of missense changes on protein structure and function are either unavailable or do not agree on the potential impact of this missense change. The variant allele was found at a frequency of 3.9e-06 in 257020 control chromosomes (gnomAD). The available data on variant occurrences in the general population are insufficient to allow any conclusion about variant significance. c.77A>T has been observed in individuals affected with ovarian cancer or glioma (Lu_2015, Song_2015). These reports do not provide unequivocal conclusions about association of the variant with Hereditary Breast And Ovarian Cancer Syndrome. At least one publication reports experimental evidence evaluating an impact on protein function (Hu_2023). These results showed no damaging effect of this variant in HDR repair assays. The following publications have been ascertained in the context of this evaluation (PMID: 26261251, 26689913, 37253112). ClinVar contains an entry for this variant (Variation ID: 372089). Based on the evidence outlined above, the variant was classified as uncertain significance.

Ambry Genetics
Classification: Likely benign for Hereditary cancer-predisposing syndrome. Last evaluated: 2024-06-28. Review status: criteria provided, single submitter. Criteria: Ambry Variant Classification Scheme 2023. Collection method: clinical testing. Allele origin: germline.

Myriad Genetics, Inc.
Classification: Uncertain significance for Breast-ovarian cancer, familial, susceptibility to, 3. Last evaluated: 2023-04-05. Review status: criteria provided, single submitter. Criteria: Myriad Autosomal Dominant, Autosomal Recessive and X-Linked Classification Criteria (2023). Collection method: clinical testing. Allele origin: unknown.
Comment: This variant is classified as a variant of uncertain significance as there is insufficient evidence to determine its impact on protein function and/or cancer risk.

Sema4
Classification: Uncertain significance for Hereditary cancer-predisposing syndrome. Last evaluated: 2022-01-31. Review status: criteria provided, single submitter. Criteria: Sema4 Curation Guidelines. Collection method: curation. Allele origin: germline.
Comment: The RAD51C c.77A>T (p.K26M) variant has been reported in heterozygosity in at least one individual with epithelial ovarian cancer and in at least one individual with low grade glioma (PMID: 26261251, 26689913). It has been reported in a large case-control study of breast cancer in 2/60466 cases and 0/53461 controls (PMID: 33471991). This variant was observed in 2/129192 chromosomes in the Non-Finnish European population according to the Genome Aggregation Database (PMID: 32461654). This variant has been reported in ClinVar (Variation ID: 372089). Functional studies have not been performed, and in silico predictions of the variant's effect on protein function are inconclusive. The evidence is insufficient to meet ACMG/AMP criteria for classifying the variant as benign or pathogenic. Thus, the clinical significance of this variant is currently uncertain.

Color Diagnostics, LLC DBA Color Health
Classification: Uncertain significance for Hereditary cancer-predisposing syndrome. Last evaluated: 2018-11-01. Review status: criteria provided, single submitter. Criteria: ACMG Guidelines, 2015. Collection method: clinical testing. Allele origin: germline.

Counsyl
Classification: Uncertain significance for Fanconi anemia complementation group O. Last evaluated: 2016-08-25. Review status: no assertion criteria provided. Collection method: clinical testing. Allele origin: unknown. Not counted in ClinVar's aggregate classification.

Counsyl
Classification: Uncertain significance for Breast-ovarian cancer, familial, susceptibility to, 3. Last evaluated: 2016-08-25. Review status: no assertion criteria provided. Collection method: clinical testing. Allele origin: unknown. Not counted in ClinVar's aggregate classification.

Literature cited by the submitters: PubMed 26261251 (cited by 5 submitters); PubMed 26689913 (cited by 4 submitters); PubMed 36099300 (cited by Labcorp Genetics (formerly Invitae), Labcorp and Ambry Genetics); PubMed 37253112 (cited by 3 submitters); PubMed 33471991 (cited by Sema4).